The following is an entry in ClinVar:

ClinVar aggregate classification (germline): Uncertain significance (1 of 4 stars; one submission).

Conditions:
Mucopolysaccharidosis, MPS-III-D (MPS3D). Also called: N-ACETYLGLUCOSAMINE-6-SULFATASE DEFICIENCY; SANFILIPPO SYNDROME D; MPS III D; Mucopoly-saccharidosis type 3D; N-acetylglucosamine-6-sulfate sulfatase deficiency; MPS 3D. Identifiers: Orphanet 581, Orphanet 79272, MedGen C0086650, MONDO:0009658, OMIM 252940.

Submission:

Labcorp Genetics (formerly Invitae), Labcorp
Classification: Uncertain significance for Mucopolysaccharidosis, MPS-III-D. Last evaluated: 2021-02-25. Review status: criteria provided, single submitter. Criteria: Invitae Variant Classification Sherloc (09022015). Collection method: clinical testing. Allele origin: germline.
Comment: In summary, the available evidence is currently insufficient to determine the role of this variant in disease. Therefore, it has been classified as a Variant of Uncertain Significance. Algorithms developed to predict the effect of missense changes on protein structure and function (SIFT, PolyPhen-2, Align-GVGD) all suggest that this variant is likely to be tolerated, but these predictions have not been confirmed by published functional studies and their clinical significance is uncertain. This variant has not been reported in the literature in individuals with GNS-related conditions. This sequence change replaces serine with arginine at codon 537 of the GNS protein (p.Ser537Arg). The serine residue is moderately conserved and there is a moderate physicochemical difference between serine and arginine. This variant is not present in population databases (ExAC no frequency).

NM_002076.4(GNS):c.1609A>C (p.Ser537Arg)

Gene: GNS (glucosamine (N-acetyl)-6-sulfatase; minus strand). Cytogenetic location: 12q14.3.
Variant type: single nucleotide variant.
Coding change: c.1609A>C on transcript NM_002076.4 (MANE Select); coding-DNA position 1609, A replaced by C.
Protein change: p.Ser537Arg; replaces serine 537 with arginine.
Molecular consequence: missense variant.
Genome position (GRCh38, 1-based): chr12:64,716,791, T>G on the plus strand (A>C on the coding strand, the complement: GNS is on the minus strand). VCF-style: chr12-64716791-T-G. GRCh37 (hg19) VCF-style: chr12-65110571-T-G.
Other names: short protein forms S537R.
Identifiers: ClinVar variation 1489406 (VCV001489406.8), dbSNP rs776925981, ClinGen allele CA385599905.